The following is an entry in ClinVar:

ClinVar aggregate classification (germline): Benign/Likely benign. Review status: criteria provided, multiple submitters, no conflicts (2 of 4 stars). 7 submissions from 7 submitters: Benign (1); Likely benign (6). Last evaluated 2025-09-15.

Conditions:
Hereditary cancer-predisposing syndrome. Also called: Hereditary Cancer Syndrome; Neoplastic Syndromes, Hereditary; Tumor predisposition; Hereditary neoplastic syndrome. Identifiers: Orphanet 140162, MedGen C0027672, MeSH D009386, MONDO:0015356.
Familial cancer of breast. Also called: BREAST CANCER, FAMILIAL; Hereditary breast cancer; hereditary breast carcinoma. Identifiers: Orphanet 227535, MedGen C0346153, MONDO:0016419, OMIM 114480. Disease mechanism: loss of function.
Ataxia-telangiectasia syndrome (AT). Also called: Cerebello-oculocutaneous telangiectasia; Immunodeficiency with ataxia telangiectasia; Ataxia-telangiectasia, complementation group E; Ataxia-telangiectasia, complementation group D; AT, COMPLEMENTATION GROUP C; ATAXIA-TELANGIECTASIA, COMPLEMENTATION GROUP A. Identifiers: Orphanet 100, MedGen C0004135, MONDO:0008840, OMIM 208900.

Allele frequency attached by ClinVar (database versions not stated): gnomAD exomes 0.00001 and below 0.00001; gnomAD 0.00001.
gnomAD v4.1: 5 of 1,614,062 alleles (0.00031%); highest among the groups gnomAD compares: East Asian, 0.0045%; no homozygotes.

Submissions (7):

Quest Diagnostics Nichols Institute San Juan Capistrano
Classification: Likely benign. Last evaluated: 2025-09-15. Review status: criteria provided, single submitter. Criteria: Quest Diagnostics criteria. Collection method: clinical testing. Allele origin: unknown.

Labcorp Genetics (formerly Invitae), Labcorp
Classification: Likely benign for Ataxia-telangiectasia syndrome. Last evaluated: 2025-08-11. Review status: criteria provided, single submitter. Criteria: Invitae Variant Classification Sherloc (09022015). Collection method: clinical testing. Allele origin: germline.

Center for Genomic Medicine, Rigshospitalet, Copenhagen University Hospital
Classification: Likely benign. Last evaluated: 2025-03-04. Review status: criteria provided, single submitter. Criteria: ACMG Guidelines, 2015. Collection method: clinical testing. Allele origin: germline.

Myriad Genetics, Inc.
Classification: Benign for Familial cancer of breast. Last evaluated: 2024-06-13. Review status: criteria provided, single submitter. Criteria: Myriad Autosomal Dominant, Autosomal Recessive and X-Linked Classification Criteria (2023). Collection method: clinical testing. Allele origin: unknown.
Comment: This variant is considered benign. This variant is a silent/synonymous amino acid change and it is not expected to impact splicing.

Women's Health and Genetics/Laboratory Corporation of America, LabCorp
Classification: Likely benign. Last evaluated: 2019-08-21. Review status: criteria provided, single submitter. Criteria: LabCorp Variant Classification Summary - May 2015. Collection method: clinical testing. Allele origin: germline.

Ambry Genetics
Classification: Likely benign for Hereditary cancer-predisposing syndrome. Last evaluated: 2019-05-16. Review status: criteria provided, single submitter. Criteria: Ambry Variant Classification Scheme 2023. Collection method: clinical testing. Allele origin: germline.

GeneDx
Classification: Likely benign. Last evaluated: 2017-03-17. Review status: criteria provided, single submitter. Criteria: GeneDx Variant Classification (06012015). Collection method: clinical testing. Allele origin: germline. Affected: yes.
Comment: This variant is considered likely benign or benign based on one or more of the following criteria: it is a conservative change, it occurs at a poorly conserved position in the protein, it is predicted to be benign by multiple in silico algorithms, and/or has population frequency not consistent with disease.

NM_000051.4(ATM):c.7383C>T (p.Arg2461=)

Genes: ATM (ATM serine/threonine kinase; plus strand), C11orf65 (chromosome 11 open reading frame 65; minus strand). Cytogenetic location: 11q22.3.
Variant type: single nucleotide variant.
Coding change: c.7383C>T on transcript NM_000051.4 (MANE Select); coding-DNA position 7383, C replaced by T.
Protein change: p.Arg2461=; no amino-acid change (arginine 2461 retained).
Molecular consequence: synonymous variant. On other transcripts: intron variant (2).
Genome position (GRCh38, 1-based): chr11:108,330,289, C>T. VCF-style: chr11-108330289-C-T. GRCh37 (hg19) VCF-style: chr11-108201016-C-T.
Other names: c.7383C>T, p.Arg2461= (NM_001351834.2); c.641-21218G>A (NM_001330368.2); c.*38+4931G>A (NM_001351110.2).
Identifiers: ClinVar variation 506296 (VCV000506296.19), dbSNP rs1429991894, ClinGen allele CA476676888.